The following is an entry in ClinVar:

NM_001378457.1(DMXL2):c.5591C>A (p.Thr1864Asn)

Gene: DMXL2 (Dmx like 2; minus strand). Cytogenetic location: 15q21.2.
Variant type: single nucleotide variant.
Coding change: c.5591C>A on transcript NM_001378457.1 (MANE Select); coding-DNA position 5591, C replaced by A.
Protein change: p.Thr1864Asn; replaces threonine 1864 with asparagine.
Molecular consequence: missense variant. On other transcripts: non-coding transcript variant (2).
Genome position (GRCh38, 1-based): chr15:51,481,515, G>T on the plus strand (C>A on the coding strand, the complement: DMXL2 is on the minus strand). VCF-style: chr15-51481515-G-T. GRCh37 (hg19) VCF-style: chr15-51773712-G-T.
Other names: c.5591C>A (NM_001174116.1); c.5591C>A, p.Thr1864Asn (NM_001378459.1, NM_001378461.1, NM_001378462.1 and 4 more transcripts); c.3572C>A, p.Thr1191Asn (NM_001378460.1); c.5351C>A, p.Thr1784Asn (NM_001378464.1); c.3683C>A, p.Thr1228Asn (NM_001174117.3); short protein forms T1191N, T1228N, T1784N, T1864N.
Identifiers: ClinVar variation 3026269 (VCV003026269.24), dbSNP rs753558113, ClinGen allele CA7561770.

ClinVar aggregate classification (germline): Uncertain significance. Review status: criteria provided, multiple submitters, no conflicts (2 of 4 stars). 3 submissions from 3 submitters: Uncertain significance (3). Last evaluated 2025-03-30.

Conditions:
Inborn genetic diseases. Identifiers: MedGen C0950123, MeSH D030342.

Allele frequency attached by ClinVar (database versions not stated): gnomAD 0.00002.
gnomAD v4.1: 7 of 1,613,558 alleles (0.00043%); highest among the groups gnomAD compares: East Asian, 0.013%; no homozygotes.

Submissions (3):

Ambry Genetics
Classification: Uncertain significance for Inborn genetic diseases. Last evaluated: 2025-03-30. Review status: criteria provided, single submitter. Criteria: Ambry Variant Classification Scheme 2023. Collection method: clinical testing. Allele origin: germline.

Labcorp Genetics (formerly Invitae), Labcorp
Classification: Uncertain significance. Last evaluated: 2024-06-09. Review status: criteria provided, single submitter. Criteria: Invitae Variant Classification Sherloc (09022015). Collection method: clinical testing. Allele origin: germline.
Comment: This sequence change replaces threonine, which is neutral and polar, with asparagine, which is neutral and polar, at codon 1864 of the DMXL2 protein (p.Thr1864Asn). This variant is present in population databases (rs753558113, gnomAD 0.003%). This variant has not been reported in the literature in individuals affected with DMXL2-related conditions. An algorithm developed to predict the effect of missense changes on protein structure and function (PolyPhen-2) suggests that this variant is likely to be tolerated. In summary, the available evidence is currently insufficient to determine the role of this variant in disease. Therefore, it has been classified as a Variant of Uncertain Significance.

CeGaT Center for Human Genetics Tuebingen
Classification: Uncertain significance. Last evaluated: 2023-12-01. Review status: criteria provided, single submitter. Criteria: CeGaT Center For Human Genetics Tuebingen Variant Classification Criteria Version 2. Collection method: clinical testing. Allele origin: germline. Affected: yes. Observed: 1 variant allele.